The following is an entry in ClinVar:

NM_000465.4(BARD1):c.1718_1730del (p.Ile573fs)

Gene: BARD1 (BRCA1 associated RING domain 1; minus strand). Cytogenetic location: 2q35.
Variant type: Deletion.
Coding change: c.1718_1730del on transcript NM_000465.4 (MANE Select); coding-DNA positions 1718 to 1730, 13 bases deleted (TAGGCAGTGGGCT).
Protein change: p.Ile573fs; shifts the reading frame from isoleucine 573.
Molecular consequence: frameshift variant. On other transcripts: non-coding transcript variant (3), intron variant (1).
Genome position (GRCh38, 1-based): chr2:214,745,802-214,745,814, AGCCCACTGCCTA deleted on the plus strand (TAGGCAGTGGGCT on the coding strand, the reverse complement: BARD1 is on the minus strand). VCF-style (leftmost placement, unchanged base first): chr2-214745801-CAGCCCACTGCCTA-C. GRCh37 (hg19) VCF-style: chr2-215610525-CAGCCCACTGCCTA-C.
Other names: c.1661_1673del, p.Ile554fs (NM_001282543.2); c.365_377del, p.Ile122fs (NM_001282545.2); c.308_320del, p.Ile103fs (NM_001282548.2); c.365-15306_365-15294del (NM_001282549.2); short protein forms I103fs, I122fs, I554fs, I573fs.
Identifiers: ClinVar variation 2583737 (VCV002583737.2), dbSNP rs2469343013, ClinGen allele CA2582342067.

ClinVar aggregate classification (germline): Pathogenic (1 of 4 stars; one submission).

Conditions:
Familial cancer of breast. Also called: Hereditary breast cancer; BREAST CANCER, FAMILIAL; hereditary breast carcinoma. Identifiers: Orphanet 227535, MedGen C0346153, MONDO:0016419, OMIM 114480. Disease mechanism: loss of function.

Submission:

Myriad Genetics, Inc.
Classification: Pathogenic for Familial cancer of breast. Last evaluated: 2023-05-23. Review status: criteria provided, single submitter. Criteria: Myriad Autosomal Dominant, Autosomal Recessive and X-Linked Classification Criteria (2023). Collection method: clinical testing. Allele origin: unknown.
Comment: This variant is considered pathogenic. This variant creates a frameshift predicted to result in premature protein truncation.